The following is an entry in ClinVar:

ClinVar aggregate classification (germline): Pathogenic (1 of 4 stars; one submission).

Conditions:
Centromeric instability of chromosomes 1,9 and 16 and immunodeficiency (ICF1). Also called: CENTROMERIC INSTABILITY, IMMUNODEFICIENCY SYNDROME; IMMUNE DEFICIENCY, VARIABLE, WITH CENTROMERIC INSTABILITY OF CHROMOSOMES 1, 9, AND 16; IMMUNODEFICIENCY SYNDROME, VARIABLE; Immunodeficiency-centromeric instability-facial anomalies. Identifiers: Orphanet 2268, MedGen C0398788, MONDO:0000133.

Submission:

Labcorp Genetics (formerly Invitae), Labcorp
Classification: Pathogenic for Centromeric instability of chromosomes 1,9 and 16 and immunodeficiency. Last evaluated: 2023-01-14. Review status: criteria provided, single submitter. Criteria: Invitae Variant Classification Sherloc (09022015). Collection method: clinical testing. Allele origin: germline.
Comment: For these reasons, this variant has been classified as Pathogenic. This variant has not been reported in the literature in individuals affected with DNMT3B-related conditions. This variant is not present in population databases (gnomAD no frequency). This sequence change creates a premature translational stop signal (p.Ser682Alafs*18) in the DNMT3B gene. It is expected to result in an absent or disrupted protein product. Loss-of-function variants in DNMT3B are known to be pathogenic (PMID: 11102980).

Literature cited by the submitters: PubMed 11102980.

NM_006892.4(DNMT3B):c.2044_2047del (p.Ser682fs)

Gene: DNMT3B (DNA methyltransferase 3 beta; plus strand). Cytogenetic location: 20q11.21.
Variant type: Deletion.
Coding change: c.2044_2047del on transcript NM_006892.4 (MANE Select); coding-DNA positions 2044 to 2047, 4 bases deleted (TCAC; older notation c.2044_2047delTCAC).
Protein change: p.Ser682fs; shifts the reading frame from serine 682.
Molecular consequence: frameshift variant.
Genome position (GRCh38, 1-based): chr20:32,801,325-32,801,328, TCAC deleted; deleting any 4 consecutive bases within chr20:32,801,323-32,801,328 gives the same sequence; the c. name uses the placement nearest the transcript's 3' end. VCF-style (leftmost placement, unchanged base first): chr20-32801322-TACTC-T. GRCh37 (hg19) VCF-style: chr20-31389128-TACTC-T.
Other names: c.1858_1861del, p.Ser620fs (NM_001207055.2, NM_001424354.1, NM_001424357.1); c.1756_1759del, p.Ser586fs (NM_001207056.2); c.2044_2047del, p.Ser682fs (NM_001424351.1, NM_001424355.1); c.1918_1921del, p.Ser640fs (NM_001424352.1, NM_001424356.1, NM_001424358.1); c.1984_1987del, p.Ser662fs (NM_001424353.1, NM_175848.2, NM_175849.2); c.2020_2023del, p.Ser674fs (NM_001424359.1, NM_175850.3); c.1894_1897del, p.Ser632fs (NM_001424360.1); short protein forms S620fs, S662fs, S674fs, S632fs, S640fs, S586fs, S682fs.
Identifiers: ClinVar variation 2828402 (VCV002828402.3), dbSNP rs766541836, ClinGen allele CA9810802.